The following is an entry in ClinVar:

NC_000011.10:g.47332705G>C

Gene: MYBPC3 (myosin binding protein C3; minus strand). Cytogenetic location: 11p11.2.
Variant type: single nucleotide variant.
Genome position: GRCh38 VCF-style: chr11-47332705-G-C. GRCh37 (hg19) VCF-style: chr11-47354256-G-C.
Other names: c.3491-3C>G (LRG_386t1, NM_000256.3).
Identifiers: ClinVar variation 181010 (VCV000181010.17), dbSNP rs730880592, ClinGen allele CA014283.

ClinVar aggregate classification (germline): Pathogenic/Likely pathogenic. Review status: criteria provided, multiple submitters, no conflicts (2 of 4 stars). 8 submissions from 8 submitters: Pathogenic (1); Likely pathogenic (7). Last evaluated 2026-05-15.

Conditions:
MYBPC3-related disorder. Also called: MYBPC3-related condition; MYBPC3-related disease; MYBPC3-related disorders.
Cardiovascular phenotype. Identifiers: MedGen CN230736.
Cardiomyopathy (CMYO). Also called: Cardiomyopathies. Identifiers: Orphanet 167848, MedGen C0878544, MONDO:0004994, HP:0001638. Inheritance: Various modes of inheritance.
Hypertrophic cardiomyopathy 1 (CMH1). Also called: Familial hypertrophic cardiomyopathy 1; MYH7-Related Familial Hypertrophic Cardiomyopathy. Identifiers: MedGen C3495498, MONDO:0008647, OMIM 192600.
Hypertrophic cardiomyopathy 4. Also called: Familial hypertrophic cardiomyopathy 4. Identifiers: MedGen C1861862, MONDO:0007268, OMIM 115197.
Hypertrophic cardiomyopathy. Also called: HYPERTROPHIC MYOCARDIOPATHY. Identifiers: Orphanet 217569, MedGen C0007194, MeSH D002312, MONDO:0005045, HP:0001639.

gnomAD v4.1: 2 of 1,605,692 alleles (0.00012%); highest among the groups gnomAD compares: Non-Finnish European, 0.00017%; no homozygotes.

Submissions (8):

Ambry Genetics
Classification: Likely pathogenic for Cardiovascular phenotype. Last evaluated: 2026-05-15. Review status: criteria provided, single submitter. Criteria: Ambry Variant Classification Scheme 2023. Collection method: clinical testing. Allele origin: germline.
Comment: The c.3491-3C>G intronic variant results from a C to G substitution 3 nucleotides upstream from coding exon 32 in the MYBPC3 gene. This variant was reported in individual(s) with features consistent with hypertrophic cardiomyopathy (HCM) (Lopes LR et al. Heart, 2015 Feb;101:294-301; Singer ES et al. Circ Genom Precis Med, 2019 01;12:e002368; O'Hare BJ et al. Circ Genom Precis Med, 2020 Dec;13:e003013; Josephs KS et al. Genome Med, 2024 Oct;16:125; Ambry internal data). RNA studies in the proband demonstrated exon 32 skipping resulting in a premature protein truncation (Singer ES et al. Circ Genom Precis Med, 2019 01;12:e002368). This variant is considered to be rare based on population cohorts in the Genome Aggregation Database (gnomAD). This nucleotide position is highly conserved in available vertebrate species. In silico splice site analysis predicts that this alteration will weaken the native splice acceptor site. Based on the majority of available evidence to date, this variant is likely to be pathogenic.

Cardiogenetics and Sports Cardiology Unit, National And Kapodistrian University of Athens NKUA
Classification: Pathogenic for Hypertrophic cardiomyopathy 1. Last evaluated: 2026-03-16. Review status: criteria provided, single submitter. Criteria: ACMG Guidelines, 2015. Collection method: clinical testing. Allele origin: germline. Inheritance: Autosomal dominant inheritance. Affected: yes. Observed: 1 variant allele, 1 heterozygote.
Comment: The c.3491-3C>G intronic variant results from a C to G substitution 3 nucleotides upstream from coding exon 32 (intron 31) This variant causes a C to G nucleotide substitution at the -3 position of intron 31 of the MYBPC3 gene. This nucleotide position is highly conserved in available vertebrate species. Functional RNA studies from an affected carrier individual have shown that this variant causes skipping of exon 32, creating a frameshift and premature translation stop signal and expected to result in an absent or non-functional protein product (PMID: 30645170). This variant has been reported in individuals affected with hypertrophic cardiomyopathy (PMID: 25351510, 30645170, 32841044, 33190526, 33495596, 33495597, 35508642, 38489124, 39472908). This variant has not been identified in the general population by the Genome Aggregation Database (gnomAD). Loss of MYBPC3 function is a known mechanism of disease. Based on the available evidence, this variant is classified as Likely Pathogenic.in the MYBPC3 gene.

Color Diagnostics, LLC DBA Color Health
Classification: Likely pathogenic for Cardiomyopathy. Last evaluated: 2025-07-14. Review status: criteria provided, single submitter. Criteria: ACMG Guidelines, 2015. Collection method: clinical testing. Allele origin: germline.
Comment: This variant causes a C to G nucleotide substitution at the -3 position of intron 31 of the MYBPC3 gene. Functional RNA studies from an affected carrier individual have shown that this variant causes skipping of exon 32, creating a frameshift and premature translation stop signal and expected to result in an absent or non-functional protein product (PMID: 30645170). This variant has been reported in individuals affected with hypertrophic cardiomyopathy (PMID: 25351510, 30645170, 32841044, 33190526, 33495596, 33495597, 35508642, 38489124, 39472908). This variant has not been identified in the general population by the Genome Aggregation Database (gnomAD). Loss of MYBPC3 function is a known mechanism of disease. Based on the available evidence, this variant is classified as Likely Pathogenic.

Labcorp Genetics (formerly Invitae), Labcorp
Classification: Likely pathogenic for Hypertrophic cardiomyopathy. Last evaluated: 2022-10-16. Review status: criteria provided, single submitter. Criteria: Invitae Variant Classification Sherloc (09022015). Collection method: clinical testing. Allele origin: germline.
Comment: This sequence change falls in intron 31 of the MYBPC3 gene. It does not directly change the encoded amino acid sequence of the MYBPC3 protein. RNA analysis indicates that this variant induces altered splicing and may result in an absent or disrupted protein product. In summary, the currently available evidence indicates that the variant is pathogenic, but additional data are needed to prove that conclusively. Therefore, this variant has been classified as Likely Pathogenic. Variants that disrupt the consensus splice site are a relatively common cause of aberrant splicing (PMID: 17576681, 9536098). Studies have shown that this variant results in skipping of exon 32 and introduces a premature termination codon (PMID: 30645170). The resulting mRNA is expected to undergo nonsense-mediated decay. ClinVar contains an entry for this variant (Variation ID: 181010). This variant has been observed in individuals with hypertrophic cardiomyopathy (PMID: 25351510, 30645170, 33190526). This variant is not present in population databases (gnomAD no frequency).

Blueprint Genetics
Classification: Likely pathogenic for MYBPC3-related disorders. Last evaluated: 2022-05-02. Review status: criteria provided, single submitter. Criteria: ACMG Guidelines, 2015. Collection method: clinical testing. Allele origin: germline. Affected: yes. Observed: 1 variant allele.

Victorian Clinical Genetics Services, Murdoch Childrens Research Institute
Classification: Likely pathogenic for Hypertrophic cardiomyopathy 4. Last evaluated: 2022-02-02. Review status: criteria provided, single submitter. Criteria: ACMG Guidelines, 2015. Collection method: clinical testing. Allele origin: germline. Inheritance: Autosomal dominant inheritance. Affected: yes.
Comment: Based on the classification scheme VCGS_Germline_v1.3.4, this variant is classified as Likely Pathogenic. Following criteria are met: 0102 - Loss of function is a known mechanism of disease in this gene and is associated with hypertrophic cardiomyopathy 4 (MIM# 115197). (I) 0108 - This gene is associated with both recessive and dominant disease. Dominant inheritance is frequently reported in adult onset conditions, however recessive inheritance results in a more severe early-onset phenotype (OMIM). (I) 0209 - Splice variant (canonical or non-canonical) proven to affect splicing/expression of the transcript with uncertain effect on protein structure. RNA studies demonstrated that this non-canonical acceptor splice site variant caused skipping of exon 32, and is predicted to result in a frameshift (PMID: 30645170). (SP) 0251 - This variant is heterozygous. (I) 0301 - Variant is absent from gnomAD (both v2 and v3). (SP) 0311 - An alternative nucleotide change at the same non-canonical splice site, is present in gnomAD (v2) (1 heterozygote, 0 homozygotes). (I) 0505 - Abnormal splicing is predicted by in silico tools and affected nucleotide is highly conserved. (SP) 0701 - Other frameshift variants comparable to the one identified in this case have very strong previous evidence for pathogenicity. Many other NMD-predicted variants have previously been reported in individuals with HCM (ClinVar, DECIPHER). Additionally, an alternative change at same nucleotide (c.3491-3G>A) has been classified as likely pathogenic in ClinVar. (SP) 0801 - This variant has strong previous evidence of pathogenicity in unrelated individuals. The variant has previously been reported in at least 5 unrelated individuals with HCM (ClinVar, VCGS, PMIDs: 30645170, 25351510, 33190526). (SP) 0905 - No published segregation evidence has been identified for this variant. (I) 1007 - No published functional evidence has been identified for this variant. (I) 1208 - Inheritance information for this variant is not currently available in this individual. (I) Legend: (SP) - Supporting pathogenic, (I) - Information, (SB) - Supporting benign

Cambridge Genomics Laboratory, East Genomic Laboratory Hub, NHS Genomic Medicine Service
Classification: Likely pathogenic for Hypertrophic cardiomyopathy. Last evaluated: 2019-04-17. Review status: criteria provided, single submitter. Criteria: ACGS Best Practice Guidelines for Variant Classification in Rare Disease 2020. Collection method: clinical testing. Allele origin: germline. Affected: yes. Observed: 1 variant allele.

GeneDx
Classification: Likely pathogenic. Last evaluated: 2013-06-04. Review status: criteria provided, single submitter. Criteria: GeneDx Variant Classification (06012015). Collection method: clinical testing. Allele origin: germline. Affected: yes.
Comment: Although the c.3491-3 C>G variant in the MYBPC3 gene has not been reported as a disease-causing mutation or as a benign polymorphism to our knowledge, this variant is predicted to damage the natural splice acceptor site in intron 31 and to cause abnormal gene splicing. Other splice site mutations in the MYBPC3 gene have been reported in association with HCM. Additionally, the c.3491-3 C>G variant was not observed in approximately 6,000 individuals of European and African American ancestry in the NHLBI Exome Sequencing Project, indicating it is not a common benign variant in these populations. The variant is found in HCM panel(s).

Literature cited by the submitters: PubMed 25351510 (cited by 5 submitters); PubMed 30645170 (cited by 5 submitters); PubMed 33190526 (cited by 5 submitters); PubMed 39472908 (cited by 3 submitters); PubMed 32841044 (cited by Cardiogenetics and Sports Cardiology Unit, National And Kapodistrian University of Athens NKUA and Color Diagnostics, LLC DBA Color Health); PubMed 33495596 (cited by Cardiogenetics and Sports Cardiology Unit, National And Kapodistrian University of Athens NKUA and Color Diagnostics, LLC DBA Color Health); PubMed 33495597 (cited by Cardiogenetics and Sports Cardiology Unit, National And Kapodistrian University of Athens NKUA and Color Diagnostics, LLC DBA Color Health); PubMed 35508642 (cited by Cardiogenetics and Sports Cardiology Unit, National And Kapodistrian University of Athens NKUA and Color Diagnostics, LLC DBA Color Health); PubMed 38489124 (cited by Cardiogenetics and Sports Cardiology Unit, National And Kapodistrian University of Athens NKUA and Color Diagnostics, LLC DBA Color Health); PubMed 17576681 (cited by Labcorp Genetics (formerly Invitae), Labcorp); PubMed 9536098 (cited by Labcorp Genetics (formerly Invitae), Labcorp).